The following is an entry in ClinVar:

NM_006929.5(SKIC2):c.1065-1G>A

Genes: SKIC2 (SKI2 subunit of superkiller complex; plus strand), LOC126859653 (CDK7 strongly-dependent group 2 enhancer GRCh37_chr6:31929542-31930741; plus strand). Cytogenetic location: 6p21.33.
Variant type: single nucleotide variant.
Coding change: c.1065-1G>A on transcript NM_006929.5 (MANE Select); the canonical splice acceptor site of the intron before coding-DNA position 1065, G replaced by A.
Molecular consequence: splice acceptor variant.
Genome position (GRCh38, 1-based): chr6:31,962,438, G>A. VCF-style: chr6-31962438-G-A. GRCh37 (hg19) VCF-style: chr6-31930215-G-A.
Identifiers: ClinVar variation 2820291 (VCV002820291.3), dbSNP rs1426527653, ClinGen allele CA363450025.

ClinVar aggregate classification (germline): Likely pathogenic (1 of 4 stars; one submission).

Submission:

Labcorp Genetics (formerly Invitae), Labcorp
Classification: Likely pathogenic. Last evaluated: 2022-12-13. Review status: criteria provided, single submitter. Criteria: Invitae Variant Classification Sherloc (09022015). Collection method: clinical testing. Allele origin: germline.
Comment: This sequence change affects an acceptor splice site in intron 10 of the SKIV2L gene. It is expected to disrupt RNA splicing. Variants that disrupt the donor or acceptor splice site typically lead to a loss of protein function (PMID: 16199547), and loss-of-function variants in SKIV2L are known to be pathogenic (PMID: 22444670). Algorithms developed to predict the effect of sequence changes on RNA splicing suggest that this variant may disrupt the consensus splice site. This variant has not been reported in the literature in individuals affected with SKIV2L-related conditions. This variant is not present in population databases (gnomAD no frequency). In summary, the currently available evidence indicates that the variant is pathogenic, but additional data are needed to prove that conclusively. Therefore, this variant has been classified as Likely Pathogenic.

Literature cited by the submitters: PubMed 16199547; PubMed 22444670.